The following is an entry in ClinVar:

ClinVar aggregate classification (germline): Uncertain significance (1 of 4 stars; one submission).

Conditions:
Dyskeratosis congenita, autosomal dominant 1 (DKCA1). Also called: Dyskeratosis congenita Scoggins type. Identifiers: Orphanet 1775, MedGen C4551974, MONDO:0007485, OMIM 127550. Inheritance: Variable.

gnomAD v4.1: 1 of 765,178 alleles (0.00013%); highest among the groups gnomAD compares: Non-Finnish European, 0.00024%; no homozygotes.

Submission:

Labcorp Genetics (formerly Invitae), Labcorp
Classification: Uncertain significance for Dyskeratosis congenita, autosomal dominant 1. Last evaluated: 2022-09-07. Review status: criteria provided, single submitter. Criteria: Invitae Variant Classification Sherloc (09022015). Collection method: clinical testing. Allele origin: germline.
Comment: This variant is not present in population databases (gnomAD no frequency). This variant is located at the 5’ end of the TERC RNA component (PMID: 15082312, 21844345). The functional significance of this region is not well understood. In summary, the available evidence is currently insufficient to determine the role of this variant in disease. Therefore, it has been classified as a Variant of Uncertain Significance. This variant has not been reported in the literature in individuals affected with TERC-related conditions. This variant occurs in the TERC gene, which encodes an RNA molecule that does not result in a protein product.

Literature cited by the submitters: PubMed 15082312; PubMed 21844345.

NC_000003.12:g.169765030C>G

Genes: TERC (telomerase RNA component; minus strand), LOC110806306 (telomerase RNA component (TERC) promoter; plus strand). Cytogenetic location: 3q26.2.
Variant type: single nucleotide variant.
Genome position: GRCh38 VCF-style: chr3-169765030-C-G. GRCh37 (hg19) VCF-style: chr3-169482818-C-G.
Identifiers: ClinVar variation 2029473 (VCV002029473.4), dbSNP rs1446625124, ClinGen allele CA436716001.
Genomic context (GRCh38, chr3:169,765,030, plus strand): 5'-CGGGGAGCAAAAGCACGGCGCCTACGCCCTTCTCAGTTAGGGTTAGACAAAAAATGGCCA[C>G]CACCCCTCCCAGGCCCACCCTCCGCAACCCGGTGCGCTGCCGGGCGAGTCGGCTTATAAA-3'